The following is an entry in ClinVar:

ClinVar aggregate classification (germline): Uncertain significance (1 of 4 stars; one submission).

Submission:

GeneDx
Classification: Uncertain significance. Last evaluated: 2023-12-02. Review status: criteria provided, single submitter. Criteria: GeneDx Variant Classification Process June 2021. Collection method: clinical testing. Allele origin: germline. Affected: yes.
Comment: Not observed at significant frequency in large population cohorts (gnomAD); Missense variants in this gene are a common cause of disease and they are underrepresented in the general population; In silico analysis supports that this missense variant has a deleterious effect on protein structure/function; Has not been previously published as pathogenic or benign to our knowledge

NM_003384.3(VRK1):c.722G>A (p.Arg241His)

Gene: VRK1 (VRK serine/threonine kinase 1; plus strand). Cytogenetic location: 14q32.2.
Variant type: single nucleotide variant.
Coding change: c.722G>A on transcript NM_003384.3 (MANE Select); coding-DNA position 722, G replaced by A.
Protein change: p.Arg241His; replaces arginine 241 with histidine.
Molecular consequence: missense variant.
Genome position (GRCh38, 1-based): chr14:96,856,142, G>A. VCF-style: chr14-96856142-G-A. GRCh37 (hg19) VCF-style: chr14-97322479-G-A.
Other names: c.722G>A, p.Arg241His (NM_001411051.1, NM_001411053.1); short protein forms R241H.
Identifiers: ClinVar variation 3364794 (VCV003364794.1).
Genomic context (GRCh38, chr14:96,856,142, plus strand): 5'-ATTAAAAATTATTTCAGTCTACCTAATGTTCTTCTCTTGCATTTGTAGCCCCATCAAGAC[G>A]TGGTGATTTGGAAATACTTGGTTATTGCATGATCCAATGGCTTACTGGCCATCTTCCTTG-3'
Protein context (NP_003375.1, residues 231-251): DAHNGVAPSR[Arg241His]GDLEILGYCM